The following is an entry in ClinVar:

NM_015136.3(STAB1):c.3730C>T (p.Arg1244Cys)

Gene: STAB1 (stabilin 1; plus strand). Cytogenetic location: 3p21.1.
Variant type: single nucleotide variant.
Coding change: c.3730C>T on transcript NM_015136.3 (MANE Select); coding-DNA position 3730, C replaced by T.
Protein change: p.Arg1244Cys; replaces arginine 1244 with cysteine.
Molecular consequence: missense variant.
Genome position (GRCh38, 1-based): chr3:52,514,752, C>T. VCF-style: chr3-52514752-C-T. GRCh37 (hg19) VCF-style: chr3-52548768-C-T.
Other names: short protein forms R1244C.
Identifiers: ClinVar variation 5040860 (VCV005040860.1).

ClinVar aggregate classification (germline): Likely benign (1 of 4 stars; one submission).

gnomAD v4.1: 2,035 of 1,613,042 alleles (0.13%); highest among the groups gnomAD compares: Non-Finnish European, 0.065%; 14 homozygotes.

Submission:

CeGaT Center for Human Genetics Tuebingen
Classification: Likely benign. Last evaluated: 2026-09-01. Review status: criteria provided, single submitter. Criteria: CeGaT Center For Human Genetics Tuebingen Variant Classification Criteria Version 2. Collection method: clinical testing. Allele origin: germline. Affected: yes. Observed: 1 variant allele.
Comment: STAB1: BP4, BS2